The following is an entry in ClinVar:

ClinVar aggregate classification (germline): Pathogenic. Review status: criteria provided, single submitter (1 of 4 stars). 2 submissions from 2 submitters: Pathogenic (1). 1 of the submissions does not count toward it. Last evaluated 2022-11-23.

Conditions:
Charcot-Marie-Tooth disease type 2. Also called: Charcot-Marie-Tooth type 2. Identifiers: Orphanet 64746, MedGen C0270914, MONDO:0018993.

Submissions (2):

Labcorp Genetics (formerly Invitae), Labcorp
Classification: Pathogenic for Charcot-Marie-Tooth disease type 2. Last evaluated: 2022-11-23. Review status: criteria provided, single submitter. Criteria: Invitae Variant Classification Sherloc (09022015). Collection method: clinical testing. Allele origin: germline.
Comment: This sequence change affects a donor splice site in intron 4 of the LMNA gene. It is expected to disrupt RNA splicing. Variants that disrupt the donor or acceptor splice site typically lead to a loss of protein function (PMID: 16199547), and loss-of-function variants in LMNA are known to be pathogenic (PMID: 18585512, 18926329). This variant is not present in population databases (gnomAD no frequency). Disruption of this splice site has been observed in individual(s) with Emery-Dreifuss muscular dystrophy and/or LMNA-related conditions (PMID: 20848652, 30572990). In at least one individual the variant was observed to be de novo. ClinVar contains an entry for this variant (Variation ID: 66939). Algorithms developed to predict the effect of sequence changes on RNA splicing suggest that this variant may disrupt the consensus splice site. For these reasons, this variant has been classified as Pathogenic.

Epithelial Biology;  Institute of Medical Biology, Singapore
No classification provided. Review status: no classification provided. Collection method: not provided. Allele origin: not provided. Not counted in ClinVar's aggregate classification.

Literature cited by the submitters: PubMed 16199547 (cited by Labcorp Genetics (formerly Invitae), Labcorp); PubMed 18585512 (cited by Labcorp Genetics (formerly Invitae), Labcorp); PubMed 18926329 (cited by Labcorp Genetics (formerly Invitae), Labcorp); PubMed 20848652 (cited by Labcorp Genetics (formerly Invitae), Labcorp); PubMed 30572990 (cited by Labcorp Genetics (formerly Invitae), Labcorp).

NM_170707.4(LMNA):c.810+1G>A

Gene: LMNA (lamin A/C; plus strand). Cytogenetic location: 1q22.
Variant type: single nucleotide variant.
Coding change: c.810+1G>A on transcript NM_170707.4 (MANE Select); the canonical splice donor site of the intron after coding-DNA position 810, G replaced by A.
Molecular consequence: splice donor variant.
Genome position (GRCh38, 1-based): chr1:156,134,976, G>A. VCF-style: chr1-156134976-G-A. GRCh37 (hg19) VCF-style: chr1-156104767-G-A.
Other names: c.810+1G>A (NM_001406983.1, NM_001282625.2, NM_001406984.1 and 6 more transcripts); c.252+1G>A (NM_001407002.1, NM_001406993.1, NM_001407003.1 and 4 more transcripts); c.146+1G>A (NM_001406999.1, NM_001407000.1, NM_001406994.1 and 1 more transcripts); c.567+1G>A (NM_001406986.1, NM_001406987.1, NM_001282624.2); c.513+1G>A (NM_001406988.1); c.474+1G>A (NM_001406989.1, NM_001257374.3, NM_001406998.1).
Identifiers: ClinVar variation 66939 (VCV000066939.9), dbSNP rs267607632, ClinGen allele CA018696.
Genomic context (GRCh38, chr1:156,134,976, plus strand): 5'-CAGCATGAGGACCAGGTGGAGCAGTATAAGAAGGAGCTGGAGAAGACTTATTCTGCCAAG[G>A]TGCTTGCTCTCGATTGGTTCCCTCACTGCCTCTGCCCTTGGCAGCCCTACCCTTACCCAC-3'